The following is an entry in ClinVar:

ClinVar aggregate classification (germline): Uncertain significance. Review status: criteria provided, multiple submitters, no conflicts (2 of 4 stars). 3 submissions from 3 submitters: Uncertain significance (3). Last evaluated 2025-12-12.

Conditions:
Autosomal recessive limb-girdle muscular dystrophy type 2K. Also called: MUSCULAR DYSTROPHY-DYSTROGLYCANOPATHY (LIMB-GIRDLE), TYPE C, 1; MUSCULAR DYSTROPHY, LIMB-GIRDLE, TYPE 2K. Identifiers: Orphanet 86812, MedGen C1836373, MONDO:0012248, OMIM 609308.
Walker-Warburg congenital muscular dystrophy. Also called: Muscular dystrophy-dystroglycanopathy, type A; Walker-Warburg syndrome. Identifiers: Orphanet 899, MedGen C0265221, MONDO:0000171.
Muscular dystrophy-dystroglycanopathy (congenital with impaired intellectual development), type B, 1. Also called: Muscular dystrophy-dystroglycanopathy (congenital with intellectual disability), type B1; MUSCULAR DYSTROPHY, CONGENITAL, POMT1-RELATED. Identifiers: MedGen C5436962, MONDO:0013159, OMIM 613155.

Allele frequency attached by ClinVar (database versions not stated): 1000 Genomes Project 30x 0.00016; gnomAD exomes 0.00003 and 0.00007; gnomAD 0.00003; TOPMed 0.00003; ExAC 0.00011; 1000 Genomes Project 0.00020.
gnomAD v4.1: 50 of 1,609,624 alleles (0.0031%); highest among the groups gnomAD compares: Admixed American, 0.015%; no homozygotes.

Submissions (3):

GeneDx
Classification: Uncertain significance. Last evaluated: 2025-12-12. Review status: criteria provided, single submitter. Criteria: GeneDx Variant Classification Process June 2021. Collection method: clinical testing. Allele origin: germline. Affected: yes.
Comment: In silico analysis suggests that this missense variant does not alter protein structure/function; Has not been previously published as pathogenic or benign to our knowledge; This variant is associated with the following publications: (PMID: 22549409)

Labcorp Genetics (formerly Invitae), Labcorp
Classification: Uncertain significance for Muscular dystrophy-dystroglycanopathy (congenital with impaired intellectual development), type B, 1; Walker-Warburg congenital muscular dystrophy; Autosomal recessive limb-girdle muscular dystrophy type 2K. Last evaluated: 2024-10-30. Review status: criteria provided, single submitter. Criteria: Invitae Variant Classification Sherloc (09022015). Collection method: clinical testing. Allele origin: germline.
Comment: This sequence change replaces arginine, which is basic and polar, with cysteine, which is neutral and slightly polar, at codon 717 of the POMT1 protein (p.Arg717Cys). This variant is present in population databases (rs200179598, gnomAD 0.03%). This variant has not been reported in the literature in individuals affected with POMT1-related conditions. ClinVar contains an entry for this variant (Variation ID: 581492). Invitae Evidence Modeling of protein sequence and biophysical properties (such as structural, functional, and spatial information, amino acid conservation, physicochemical variation, residue mobility, and thermodynamic stability) indicates that this missense variant is not expected to disrupt POMT1 protein function with a negative predictive value of 95%. In summary, the available evidence is currently insufficient to determine the role of this variant in disease. Therefore, it has been classified as a Variant of Uncertain Significance.

Illumina Laboratory Services, Illumina
Classification: Uncertain significance for Autosomal recessive limb-girdle muscular dystrophy type 2K. Last evaluated: 2017-04-27. Review status: criteria provided, single submitter. Criteria: ICSL Variant Classification Criteria 13 December 2019. Collection method: clinical testing. Allele origin: germline.

NM_001077365.2(POMT1):c.2083C>T (p.Arg695Cys)

Gene: POMT1 (protein O-mannosyltransferase 1; plus strand). Cytogenetic location: 9q34.13.
Variant type: single nucleotide variant.
Coding change: c.2083C>T on transcript NM_001077365.2 (MANE Select); coding-DNA position 2083, C replaced by T.
Protein change: p.Arg695Cys; replaces arginine 695 with cysteine.
Molecular consequence: missense variant. On other transcripts: non-coding transcript variant (10).
Genome position (GRCh38, 1-based): chr9:131,523,011, C>T. VCF-style: chr9-131523011-C-T. GRCh37 (hg19) VCF-style: chr9-134398398-C-T.
Other names: c.1921C>T, p.Arg641Cys (NM_001077366.2, NM_001353194.2); c.2083C>T, p.Arg695Cys (NM_001136113.2); c.1732C>T, p.Arg578Cys (NM_001136114.2, NM_001353195.2, NM_001374691.1 and 2 more transcripts); c.2149C>T, p.Arg717Cys (NM_001353193.2, NM_007171.4); c.1993C>T, p.Arg665Cys (NM_001353196.2); c.1987C>T, p.Arg663Cys (NM_001353197.2, NM_001353198.2); c.1798C>T, p.Arg600Cys (NM_001353199.2); c.1627C>T, p.Arg543Cys (NM_001353200.2); and 3 more; short protein forms R717C, R543C, R578C, R600C, R665C, R695C, R641C, R663C.
Identifiers: ClinVar variation 581492 (VCV000581492.10), dbSNP rs200179598, ClinGen allele CA5293934.
Genomic context (GRCh38, chr9:131,523,011, plus strand): 5'-ATCTTCAGCGCCCTGGTGGTGGCCTGGTACTCCTCCGCGTGCCACGTGTCCAACACGCTG[C>T]GCCCACTCACCTACGGGGACAAGTCACTCTCGCCACATGAACTCAAGGCCCTTCGCTGGA-3'
Protein context (NP_001070833.1, residues 685-705): SSACHVSNTL[Arg695Cys]PLTYGDKSLS